The following is an entry in ClinVar:

NM_000179.3(MSH6):c.3144G>T (p.Gln1048His)

Gene: MSH6 (mutS homolog 6; plus strand). Cytogenetic location: 2p16.3.
Variant type: single nucleotide variant.
Coding change: c.3144G>T on transcript NM_000179.3 (MANE Select); coding-DNA position 3144, G replaced by T.
Protein change: p.Gln1048His; replaces glutamine 1048 with histidine.
Molecular consequence: missense variant. On other transcripts: non-coding transcript variant (5), intron variant (2).
Genome position (GRCh38, 1-based): chr2:47,801,127, G>T. VCF-style: chr2-47801127-G-T. GRCh37 (hg19) VCF-style: chr2-48028266-G-T.
Other names: c.2754G>T, p.Gln918His (NM_001281492.2); c.2238G>T, p.Gln746His (NM_001281493.2, NM_001281494.2, NM_001406811.1 and 6 more transcripts); c.3240G>T, p.Gln1080His (NM_001406795.1, NM_001406802.1); c.3144G>T, p.Gln1048His (NM_001406796.1, NM_001406798.1, NM_001406800.1 and 2 more transcripts); c.2847G>T, p.Gln949His (NM_001406797.1, NM_001406801.1, NM_001406805.1 and 10 more transcripts); c.2619G>T, p.Gln873His (NM_001406799.1, NM_001406806.1, NM_001406807.1); c.3066G>T, p.Gln1022His (NM_001406804.1); c.3150G>T, p.Gln1050His (NM_001406813.1); and 4 more; short protein forms Q363H, Q1050H, Q1080H, Q949H, Q992H, Q1022H, Q918H, Q1048H.
Identifiers: ClinVar variation 4701409 (VCV004701409.1).
Genomic context (GRCh38, chr2:47,801,127, plus strand): 5'-ATTGAAGGACTGCATGCGGCGACTGTTCTATAACTTTGATAAAAATTACAAGGACTGGCA[G>T]TCTGCTGTAGAGTGTATCGCAGTGTTGGGTAAGACTTTGAACAAGCTTGTTCTCAGGCTT-3'
Protein context (NP_000170.1, residues 1038-1058): YNFDKNYKDW[Gln1048His]SAVECIAVLD

ClinVar aggregate classification (germline): Uncertain significance (1 of 4 stars; one submission).

Conditions:
Hereditary nonpolyposis colorectal neoplasms. Identifiers: MedGen C0009405, MeSH D003123.

Submission:

Labcorp Genetics (formerly Invitae), Labcorp
Classification: Uncertain significance for Hereditary nonpolyposis colorectal neoplasms. Last evaluated: 2025-07-19. Review status: criteria provided, single submitter. Criteria: Invitae Variant Classification Sherloc (09022015). Collection method: clinical testing. Allele origin: germline.
Comment: This sequence change replaces glutamine, which is neutral and polar, with histidine, which is basic and polar, at codon 1048 of the MSH6 protein (p.Gln1048His). This variant is not present in population databases (gnomAD no frequency). This variant has not been reported in the literature in individuals affected with MSH6-related conditions. Invitae Evidence Modeling of protein sequence and biophysical properties (such as structural, functional, and spatial information, amino acid conservation, physicochemical variation, residue mobility, and thermodynamic stability) indicates that this missense variant is not expected to disrupt MSH6 protein function with a negative predictive value of 95%. In summary, the available evidence is currently insufficient to determine the role of this variant in disease. Therefore, it has been classified as a Variant of Uncertain Significance.